The following is an entry in ClinVar:

NM_001367479.1(DNAH14):c.13703C>T (p.Pro4568Leu)

Gene: DNAH14 (dynein axonemal heavy chain 14; plus strand). Cytogenetic location: 1q42.12.
Variant type: single nucleotide variant.
Coding change: c.13703C>T on transcript NM_001367479.1 (MANE Select); coding-DNA position 13703, C replaced by T.
Protein change: p.Pro4568Leu; replaces proline 4568 with leucine.
Molecular consequence: missense variant.
Genome position (GRCh38, 1-based): chr1:225,399,118, C>T. VCF-style: chr1-225399118-C-T. GRCh37 (hg19) VCF-style: chr1-225586820-C-T.
Other names: NM_001373.1:c.13397C>T; short protein forms P4568L.
Identifiers: ClinVar variation 2507330 (VCV002507330.1), dbSNP rs944437030, ClinGen allele CA38501848.

ClinVar aggregate classification (germline): Uncertain significance (1 of 4 stars; one submission).

Allele frequency attached by ClinVar (database versions not stated): TOPMed below 0.00001; gnomAD 0.00001.
gnomAD v4.1: 4 of 1,551,684 alleles (0.00026%); highest among the groups gnomAD compares: Admixed American, 0.002%; no homozygotes.

Submission:

GeneDx
Classification: Uncertain significance. Last evaluated: 2022-12-31. Review status: criteria provided, single submitter. Criteria: GeneDx Variant Classification Process June 2021. Collection method: clinical testing. Allele origin: germline. Affected: yes.
Comment: Not observed at significant frequency in large population cohorts (gnomAD); In silico analysis supports that this missense variant has a deleterious effect on protein structure/function; Has not been previously published as pathogenic or benign to our knowledge